The following is an entry in ClinVar:

NM_000742.4(CHRNA2):c.1481A>G (p.Lys494Arg)

Gene: CHRNA2 (cholinergic receptor nicotinic alpha 2 subunit; minus strand). Cytogenetic location: 8p21.2.
Variant type: single nucleotide variant.
Coding change: c.1481A>G on transcript NM_000742.4 (MANE Select); coding-DNA position 1481, A replaced by G.
Protein change: p.Lys494Arg; replaces lysine 494 with arginine.
Molecular consequence: missense variant.
Genome position (GRCh38, 1-based): chr8:27,461,738, T>C on the plus strand (A>G on the coding strand, the complement: CHRNA2 is on the minus strand). VCF-style: chr8-27461738-T-C. GRCh37 (hg19) VCF-style: chr8-27319255-T-C.
Other names: c.1436A>G, p.Lys479Arg (NM_001282455.2); c.1004A>G, p.Lys335Arg (NM_001347705.2, NM_001347706.2); c.887A>G, p.Lys296Arg (NM_001347707.2, NM_001347708.2); short protein forms K494R, K335R, K479R, K296R.
Identifiers: ClinVar variation 658396 (VCV000658396.5), dbSNP rs762003141, ClinGen allele CA4689418.

ClinVar aggregate classification (germline): Uncertain significance (1 of 4 stars; one submission).

Conditions:
Familial sleep-related hypermotor epilepsy. Also called: Autosomal Dominant Sleep-Related Hypermotor (Hyperkinetic) Epilepsy. Identifiers: Orphanet 98784, MedGen C3696898, MONDO:0000030.

Allele frequency attached by ClinVar (database versions not stated): gnomAD exomes below 0.00001 and 0.00001; ExAC 0.00001.
gnomAD v4.1: 1 of 1,614,116 alleles (0.000062%); highest among the groups gnomAD compares: East Asian, 0.0022%; no homozygotes.

Submission:

Labcorp Genetics (formerly Invitae), Labcorp
Classification: Uncertain significance. Last evaluated: 2022-08-09. Review status: criteria provided, single submitter. Criteria: Invitae Variant Classification Sherloc (09022015). Collection method: clinical testing. Allele origin: germline.
Comment: In summary, the available evidence is currently insufficient to determine the role of this variant in disease. Therefore, it has been classified as a Variant of Uncertain Significance. Algorithms developed to predict the effect of sequence changes on RNA splicing suggest that this variant may create or strengthen a splice site. Advanced modeling of protein sequence and biophysical properties (such as structural, functional, and spatial information, amino acid conservation, physicochemical variation, residue mobility, and thermodynamic stability) performed at Invitae indicates that this missense variant is not expected to disrupt CHRNA2 protein function. ClinVar contains an entry for this variant (Variation ID: 658396). This variant has not been reported in the literature in individuals affected with CHRNA2-related conditions. This variant is present in population databases (rs762003141, gnomAD 0.006%). This sequence change replaces lysine, which is basic and polar, with arginine, which is basic and polar, at codon 494 of the CHRNA2 protein (p.Lys494Arg).